The following is an entry in ClinVar:

ClinVar aggregate classification (germline): Uncertain significance (1 of 4 stars; one submission).

Conditions:
Hereditary cancer-predisposing syndrome. Also called: Neoplastic Syndromes, Hereditary; Tumor predisposition; Hereditary neoplastic syndrome; Hereditary Cancer Syndrome. Identifiers: Orphanet 140162, MedGen C0027672, MeSH D009386, MONDO:0015356.

Submission:

Ambry Genetics
Classification: Uncertain significance for Hereditary cancer-predisposing syndrome. Last evaluated: 2019-05-22. Review status: criteria provided, single submitter. Criteria: Ambry Variant Classification Scheme 2023. Collection method: clinical testing. Allele origin: germline.
Comment: The p.C1962S variant (also known as c.5885G>C), located in coding exon 15 of the APC gene, results from a G to C substitution at nucleotide position 5885. The cysteine at codon 1962 is replaced by serine, an amino acid with dissimilar properties. This amino acid position is highly conserved in available vertebrate species. In addition, in silico predictors for this gene do not accurately predict pathogenicity. Since supporting evidence is limited at this time, the clinical significance of this alteration remains unclear.

NM_000038.6(APC):c.5885G>C (p.Cys1962Ser)

Gene: APC (APC regulator of Wnt signaling pathway; plus strand). Cytogenetic location: 5q22.2.
Variant type: single nucleotide variant.
Coding change: c.5885G>C on transcript NM_000038.6 (MANE Select); coding-DNA position 5885, G replaced by C.
Protein change: p.Cys1962Ser; replaces cysteine 1962 with serine.
Molecular consequence: missense variant.
Genome position (GRCh38, 1-based): chr5:112,841,479, G>C. VCF-style: chr5-112841479-G-C. GRCh37 (hg19) VCF-style: chr5-112177176-G-C.
Other names: c.5885G>C, p.Cys1962Ser (NM_001127510.3, NM_001354895.2); c.5831G>C, p.Cys1944Ser (NM_001127511.3); c.5939G>C, p.Cys1980Ser (NM_001354896.2); c.5915G>C, p.Cys1972Ser (NM_001354897.2); c.5810G>C, p.Cys1937Ser (NM_001354898.2); c.5801G>C, p.Cys1934Ser (NM_001354899.2); c.5762G>C, p.Cys1921Ser (NM_001354900.2); c.5708G>C, p.Cys1903Ser (NM_001354901.2); and 5 more; short protein forms C1802S, C1980S, C1679S, C1934S, C1944S, C1871S, C1903S, C1921S.
Identifiers: ClinVar variation 826029 (VCV000826029.4), dbSNP rs1308792439, ClinGen allele CA16034207.